The following is an entry in ClinVar:

ClinVar aggregate classification (germline): Pathogenic/Likely pathogenic. Review status: criteria provided, multiple submitters, no conflicts (2 of 4 stars). 4 submissions from 4 submitters: Pathogenic (1); Likely pathogenic (3). Last evaluated 2026-07-22.

Conditions:
Combined oxidative phosphorylation defect type 8. Also called: CARDIOMYOPATHY, HYPERTROPHIC MITOCHONDRIAL, FATAL INFANTILE. Identifiers: Orphanet 319504, MedGen C4518839, MONDO:0013570, OMIM 614096.
Leukoencephalopathy, progressive, with ovarian failure (LKENP). Identifiers: Orphanet 99853, MedGen C4014588, MONDO:0014387, OMIM 615889.
Inborn genetic diseases. Identifiers: MedGen C0950123, MeSH D030342.

Allele frequency attached by ClinVar (database versions not stated): TOPMed 0.00003; gnomAD 0.00001.
gnomAD v4.1: 22 of 1,613,836 alleles (0.0014%); highest among the groups gnomAD compares: African/African-American, 0.0053%; no homozygotes.

Submissions (4):

Ambry Genetics
Classification: Likely pathogenic for Inborn genetic diseases. Last evaluated: 2026-07-22. Review status: criteria provided, single submitter. Criteria: Ambry Variant Classification Scheme 2023. Collection method: clinical testing. Allele origin: germline.
Comment: The c.2872C>T (p.R958*) alteration, located in exon 22 (coding exon 22) of the AARS2 gene, consists of a C to T substitution at nucleotide position 2872. This changes the amino acid from an arginine (R) to a stop codon at amino acid position 958. This alteration occurs at the 3' terminus of the AARS2 gene, is not expected to trigger nonsense-mediated mRNA decay, and only impacts the last 2.75% of the protein. However, premature stop codons are typically deleterious in nature and the impacted region is critical for protein function (Ambry internal data). Based on data from gnomAD, the T allele has an overall frequency of 0.003% (8/251286) total alleles studied. The highest observed frequency was 0.007% (2/30616) of South Asian alleles. This variant has been identified in conjunction with other AARS2 variants in individuals with features consistent with AARS2-related combined oxidative phosphorylation deficiency; in at least one instance, the variants were identified in trans (Kamps, 2018). Based on internal structural analysis, R958* removes a portion of the AARS2 C-terminus that is important for proper RNA binding (Euro, 2015; Kuhle, 2020). Based on the available evidence, this alteration is classified as likely pathogenic.

GeneDx
Classification: Pathogenic. Last evaluated: 2026-07-12. Review status: criteria provided, single submitter. Criteria: GeneDx Variant Classification Process June 2021. Collection method: clinical testing. Allele origin: germline.
Comment: Nonsense variant predicted to result in protein truncation as the last 28 amino acid(s) are lost; Not observed at significant frequency in large population cohorts (gnomAD); This variant is associated with the following publications: (PMID: 29440775, 30819764, 25705216, 32080176, 37456626, 34484863, 34088003, 40863384)

Revvity Omics, Revvity
Classification: Likely pathogenic. Last evaluated: 2024-08-27. Review status: criteria provided, single submitter. Criteria: ACMG Guidelines, 2015. Collection method: clinical testing. Allele origin: germline.

Juno Genomics, Hangzhou Juno Genomics, Inc
Classification: Likely pathogenic for Combined oxidative phosphorylation defect type 8; Leukoencephalopathy, progressive, with ovarian failure. Review status: criteria provided, single submitter. Criteria: ACMG Guidelines, 2015. Collection method: clinical testing. Allele origin: germline. Affected: yes.
Comment: Absent from controls (or at extremely low frequency if recessive) in Genome Aggregation Database, Exome Sequencing Project, 1000 Genomes Project, or Exome Aggregation Consortium.;Null variant in a gene where loss of function (LOF) is a known mechanism of disease.;For recessive disorders, detected in trans with a pathogenic variant.;Co-segregation with disease in multiple affected family members in a gene definitively known to cause the disease.

Literature cited by the submitters: PubMed 25705216 (cited by Ambry Genetics); PubMed 29440775 (cited by Ambry Genetics); PubMed 32080176 (cited by Ambry Genetics).

NM_020745.4(AARS2):c.2872C>T (p.Arg958Ter)

Gene: AARS2 (alanyl-tRNA synthetase 2, mitochondrial; minus strand). Cytogenetic location: 6p21.1.
Variant type: single nucleotide variant.
Coding change: c.2872C>T on transcript NM_020745.4 (MANE Select); coding-DNA position 2872, C replaced by T.
Protein change: p.Arg958Ter; replaces arginine 958 with a stop codon.
Molecular consequence: nonsense.
Genome position (GRCh38, 1-based): chr6:44,300,633, G>A on the plus strand (C>T on the coding strand, the complement: AARS2 is on the minus strand). VCF-style: chr6-44300633-G-A. GRCh37 (hg19) VCF-style: chr6-44268370-G-A.
Other names: short protein forms R958*.
Identifiers: ClinVar variation 2385967 (VCV002385967.8), dbSNP rs779332260, ClinGen allele CA138383905.